The following is an entry in ClinVar:

ClinVar aggregate classification (germline): Likely benign. Review status: criteria provided, multiple submitters, no conflicts (2 of 4 stars). 4 submissions from 4 submitters: Likely benign (3). 1 of the submissions does not count toward it. Last evaluated 2024-11-05.

Conditions:
H6PD-related disorder. Also called: H6PD-related condition.
Inborn genetic diseases. Identifiers: MedGen C0950123, MeSH D030342.

Allele frequency attached by ClinVar (database versions not stated): gnomAD 0.00015; TOPMed 0.00015; gnomAD exomes 0.00018; ExAC 0.00025; ESP Exome Variant Server 0.00031; 1000 Genomes Project 0.00080; 1000 Genomes Project 30x 0.00094.
gnomAD v4.1: 295 of 1,614,044 alleles (0.018%); highest among the groups gnomAD compares: Middle Eastern, 0.05%; no homozygotes.

Submissions (4):

Labcorp Genetics (formerly Invitae), Labcorp
Classification: Likely benign. Last evaluated: 2024-11-05. Review status: criteria provided, single submitter. Criteria: Invitae Variant Classification Sherloc (09022015). Collection method: clinical testing. Allele origin: germline.

Blueprint Genetics
Classification: Likely benign. Last evaluated: 2024-10-23. Review status: criteria provided, single submitter. Criteria: ACMG Guidelines, 2015. Collection method: clinical testing. Allele origin: germline.

Ambry Genetics
Classification: Likely benign for Inborn genetic diseases. Last evaluated: 2024-09-03. Review status: criteria provided, single submitter. Criteria: Ambry Variant Classification Scheme 2023. Collection method: clinical testing. Allele origin: germline.

PreventionGenetics, part of Exact Sciences
Classification: Likely benign for H6PD-related condition. Last evaluated: 2019-06-10. Review status: no assertion criteria provided. Collection method: clinical testing. Allele origin: germline. Not counted in ClinVar's aggregate classification.
Comment: This variant is classified as likely benign based on ACMG/AMP sequence variant interpretation guidelines (Richards et al. 2015 PMID: 25741868, with internal and published modifications).

NM_004285.4(H6PD):c.1581G>A (p.Pro527=)

Gene: H6PD (hexose-6-phosphate dehydrogenase/glucose 1-dehydrogenase; plus strand). Cytogenetic location: 1p36.22.
Variant type: single nucleotide variant.
Coding change: c.1581G>A on transcript NM_004285.4 (MANE Select); coding-DNA position 1581, G replaced by A.
Protein change: p.Pro527=; no amino-acid change (proline 527 retained).
Molecular consequence: synonymous variant.
Genome position (GRCh38, 1-based): chr1:9,264,074, G>A. VCF-style: chr1-9264074-G-A. GRCh37 (hg19) VCF-style: chr1-9324133-G-A.
Other names: c.1614G>A, p.Pro538= (NM_001282587.2).
Identifiers: ClinVar variation 3033604 (VCV003033604.6), dbSNP rs201056307, ClinGen allele CA575350.
Genomic context (GRCh38, chr1:9,264,074, plus strand): 5'-TGGCCGTCTGTTGGACTTTGAGTTCAGTAGCGGCCGGTTGTTCTTTTCCCAGCAGCAGCC[G>A]GAGCAGCTGGTGCCAGGGCCAGGGCCGGCCCCAATGCCCAGTGACTTCCAGGTCCTCAGG-3'
Protein context (NP_004276.2, residues 517-537): SGRLFFSQQQ[Pro527=]EQLVPGPGPA